The following continues an entry in ClinVar:

NM_000059.4(BRCA2):c.6761_6762del (p.Phe2254fs)

Gene: BRCA2. ClinVar aggregate classification (germline): Pathogenic. Pathogenic (1).

Submissions 10 to 16 of 16:

Women's Health and Genetics/Laboratory Corporation of America, LabCorp
Classification: Pathogenic for Hereditary breast ovarian cancer syndrome. Last evaluated: 2022-04-06. Review status: criteria provided, single submitter. Criteria: LabCorp Variant Classification Summary - May 2015. Collection method: clinical testing. Allele origin: germline. Not counted in ClinVar's aggregate classification.
Comment: Variant summary: BRCA2 c.6761_6762delTT (p.Phe2254TyrfsX6) results in a premature termination codon, predicted to cause a truncation of the encoded protein or absence of the protein due to nonsense mediated decay, which are commonly known mechanisms for disease. Truncations downstream of this position have been classified as pathogenic by our laboratory. The variant was absent in 251352 control chromosomes (gnomAD). Multiple publications, c.6761_6762delTT, have cited the variant in affected individuals (example, Dougherty_2017, Maxwell_2017, Seymour_2016). Multiple clinical diagnostic laboratories, an expert panel (ENIGMA) and a consortium (CIMBA) have submitted clinical-significance assessments for this variant to ClinVar after 2014 and classified the variant as pathogenic. Based on the evidence outlined above, the variant was classified as pathogenic.

Sema4
Classification: Pathogenic for Hereditary cancer-predisposing syndrome. Last evaluated: 2020-12-14. Review status: criteria provided, single submitter. Criteria: Sema4 Curation Guidelines. Collection method: curation. Allele origin: germline. Not counted in ClinVar's aggregate classification.
Comment: The BRCA2 c.6761_6762delTT (p.F2254YfsX6) variant has been reported in heterozygosity in at least three individuals with breast or ovarian cancer (PMID: 28831036, 26915939, 28525389). It is also known as c.6758_6759del/p.L2253fs in the literature. This variant causes a frameshift at amino acid 2254 that results in premature termination 6 amino acids downstream. At this location, this is predicted to cause nonsense-mediated decay and result in an absent protein (loss of function). Loss of function variants in BRCA1 or BRCA2 are known to be pathogenic (PMID: 29446198). This variant is not reported in the population database Genome Aggregation Database (PMID: 27535533). This variant has been classified as pathogenic by a ClinGen-approved expert panel. Based on the current evidence available, this variant is interpreted as pathogenic.

Institute of Medical Genetics and Applied Genomics, University Hospital Tübingen
Classification: Pathogenic. Last evaluated: 2020-10-23. Review status: criteria provided, single submitter. Criteria: ACMG Guidelines, 2015. Collection method: clinical testing. Allele origin: germline. Inheritance: Unknown mechanism. Affected: yes. Not counted in ClinVar's aggregate classification.

Consortium of Investigators of Modifiers of BRCA1/2 (CIMBA), c/o University of Cambridge
Classification: Pathogenic for Breast-ovarian cancer, familial, susceptibility to, 2. Last evaluated: 2015-10-02. Review status: criteria provided, single submitter. Criteria: CIMBA Mutation Classification guidelines May 2016. Collection method: clinical testing. Allele origin: germline. Not counted in ClinVar's aggregate classification.

PreventionGenetics, part of Exact Sciences
Classification: Pathogenic for BRCA2-related condition. Last evaluated: 2024-07-16. Review status: no assertion criteria provided. Collection method: clinical testing. Allele origin: germline. Not counted in ClinVar's aggregate classification.
Comment: The BRCA2 c.6761_6762delTT variant is predicted to result in a frameshift and premature protein termination (p.Phe2254Tyrfs*6). This variant has been reported in multiple individuals with breast or ovarian cancer (see for example, Seymour et al. 2016. PubMed ID: 26915939; Elimam et al. 2017. PubMed ID: 28814288; Table S1, Rebbeck et al. 2018. PubMed ID: 29446198). This variant has not been reported in a large population database, indicating it is rare. This variant has been classified as pathogenic by other institutions in ClinVar. Frameshift variants in BRCA2 are expected to be pathogenic. This variant is interpreted as pathogenic.

BRCAlab, Lund University
Classification: Pathogenic for Breast-ovarian cancer, familial, susceptibility to, 2. Last evaluated: 2020-03-02. Review status: no assertion criteria provided. Collection method: clinical testing. Allele origin: germline. Affected: yes. Not counted in ClinVar's aggregate classification.

Breast Cancer Information Core (BIC) (BRCA2)
Classification: Pathogenic for Breast-ovarian cancer, familial 2. Last evaluated: 2000-06-12. Review status: no assertion criteria provided. Collection method: clinical testing. Allele origin: germline. Affected: yes. Observed: 2 variant alleles. Not counted in ClinVar's aggregate classification.

Literature cited by the submitters: PubMed 20104584 (cited by Labcorp Genetics (formerly Invitae), Labcorp); PubMed 28814288 (cited by 3 submitters); PubMed 26915939 (cited by 6 submitters); PubMed 29446198 (cited by 4 submitters); PubMed 32438681 (cited by 4 submitters); PubMed 33471991 (cited by Color Diagnostics, LLC DBA Color Health); PubMed 40413188 (cited by Color Diagnostics, LLC DBA Color Health); PubMed 8988179 (cited by All of Us Research Program, National Institutes of Health); PubMed 11897832 (cited by All of Us Research Program, National Institutes of Health); PubMed 29922827 (cited by All of Us Research Program, National Institutes of Health and Quest Diagnostics Nichols Institute San Juan Capistrano); PubMed 28831036 (cited by 3 submitters); PubMed 28525389 (cited by 3 submitters); PubMed 31948886 (cited by Quest Diagnostics Nichols Institute San Juan Capistrano).